The following is an entry in ClinVar:

ClinVar aggregate classification (germline): Uncertain significance. Review status: criteria provided, multiple submitters, no conflicts (2 of 4 stars). 2 submissions from 2 submitters: Uncertain significance (2). Last evaluated 2025-09-10.

Conditions:
Immunodeficiency 36 with lymphoproliferation. Also called: Immunodeficiency 36; ACTIVATED PI3K-DELTA SYNDROME 2; Activated PI3K Delta Syndrome Type 2 (APDS2). Identifiers: Orphanet 397596, Orphanet 693681, MedGen C4014934, MONDO:0014453, OMIM 616005.
SHORT syndrome. Also called: SHORT STATURE, HYPEREXTENSIBILITY, HERNIA, OCULAR DEPRESSION, RIEGER ANOMALY, AND TEETHING DELAY; PIK3R1-Related SHORT Syndrome; LIPODYSTROPHY, PARTIAL, WITH RIEGER ANOMALY AND SHORT STATURE. Identifiers: Orphanet 3163, MedGen C0878684, MONDO:0010026, OMIM 269880.
Agammaglobulinemia 7, autosomal recessive (AGM7). Also called: AGAMMAGLOBULINEMIA, AUTOSOMAL RECESSIVE, DUE TO PIK3R1 DEFECT. Identifiers: MedGen C3554689, MONDO:0014083, OMIM 615214.

Allele frequency attached by ClinVar (database versions not stated): gnomAD 0.00001; TOPMed 0.00001.
gnomAD v4.1: 29 of 1,602,494 alleles (0.0018%); highest among the groups gnomAD compares: East Asian, 0.0022%; no homozygotes.

Submissions (2):

Dasa
Classification: Uncertain significance for immunodeficiency 36. Last evaluated: 2025-09-10. Review status: criteria provided, single submitter. Criteria: DASA Assertion Criteria. Collection method: clinical testing. Allele origin: germline.
Comment: NM_181523.3(PIK3R1):c.902G>A (p.Arg301Gln) is a missense variant that results in the substitution of arginine with glutamine. This variant is rare in population databases. Computational prediction algorithms are consistent with a benign effect. The currently available literature and clinical evidence are not sufficient to establish a definitive association between this variant and the reported condition. Therefore, this variant is classified as a variant of uncertain significance.

Labcorp Genetics (formerly Invitae), Labcorp
Classification: Uncertain significance for SHORT syndrome; Immunodeficiency 36 with lymphoproliferation; Agammaglobulinemia 7, autosomal recessive. Last evaluated: 2024-08-23. Review status: criteria provided, single submitter. Criteria: Invitae Variant Classification Sherloc (09022015). Collection method: clinical testing. Allele origin: germline.
Comment: This sequence change replaces arginine, which is basic and polar, with glutamine, which is neutral and polar, at codon 301 of the PIK3R1 protein (p.Arg301Gln). This variant is present in population databases (no rsID available, gnomAD 0.0009%). This variant has not been reported in the literature in individuals affected with PIK3R1-related conditions. An algorithm developed to predict the effect of missense changes on protein structure and function (PolyPhen-2) suggests that this variant is likely to be tolerated. In summary, the available evidence is currently insufficient to determine the role of this variant in disease. Therefore, it has been classified as a Variant of Uncertain Significance.

NM_181523.3(PIK3R1):c.902G>A (p.Arg301Gln)

Gene: PIK3R1 (phosphoinositide-3-kinase regulatory subunit 1; plus strand). Cytogenetic location: 5q13.1.
Variant type: single nucleotide variant.
Coding change: c.902G>A on transcript NM_181523.3 (MANE Select); coding-DNA position 902, G replaced by A.
Protein change: p.Arg301Gln; replaces arginine 301 with glutamine.
Molecular consequence: missense variant.
Genome position (GRCh38, 1-based): chr5:68,280,992, G>A. VCF-style: chr5-68280992-G-A. GRCh37 (hg19) VCF-style: chr5-67576820-G-A.
Other names: short protein forms R301Q.
Identifiers: ClinVar variation 2938273 (VCV002938273.5), dbSNP rs1456213085, ClinGen allele CA359875991.